The following is an entry in ClinVar:

ClinVar aggregate classification (germline): Uncertain significance (1 of 4 stars; one submission).

Conditions:
Inborn genetic diseases. Identifiers: MedGen C0950123, MeSH D030342.

Submission:

Ambry Genetics
Classification: Uncertain significance for Inborn genetic diseases. Last evaluated: 2025-03-25. Review status: criteria provided, single submitter. Criteria: Ambry Variant Classification Scheme 2023. Collection method: clinical testing. Allele origin: germline.
Comment: The p.S968I variant (also known as c.2903G>T), located in coding exon 13 of the ASXL1 gene, results from a G to T substitution at nucleotide position 2903. The serine at codon 968 is replaced by isoleucine, an amino acid with dissimilar properties. This amino acid position is conserved. In addition, this alteration is predicted to be tolerated by in silico analysis. Based on the available evidence, the clinical significance of this variant remains unclear.

NM_015338.6(ASXL1):c.2903G>T (p.Ser968Ile)

Gene: ASXL1 (ASXL transcriptional regulator 1; plus strand). Cytogenetic location: 20q11.21.
Variant type: single nucleotide variant.
Coding change: c.2903G>T on transcript NM_015338.6 (MANE Select); coding-DNA position 2903, G replaced by T.
Protein change: p.Ser968Ile; replaces serine 968 with isoleucine.
Molecular consequence: missense variant.
Genome position (GRCh38, 1-based): chr20:32,435,615, G>T. VCF-style: chr20-32435615-G-T. GRCh37 (hg19) VCF-style: chr20-31023418-G-T.
Other names: c.2720G>T, p.Ser907Ile (NM_001363734.1); short protein forms S968I, S907I.
Identifiers: ClinVar variation 3955167 (VCV003955167.1).